The following is an entry in ClinVar:

NM_001278116.2(L1CAM):c.3628G>C (p.Asp1210His)

Gene: L1CAM (L1 cell adhesion molecule; minus strand). Cytogenetic location: Xq28.
Variant type: single nucleotide variant.
Coding change: c.3628G>C on transcript NM_001278116.2 (MANE Select); coding-DNA position 3628, G replaced by C.
Protein change: p.Asp1210His; replaces aspartic acid 1210 with histidine.
Molecular consequence: missense variant.
Genome position (GRCh38, 1-based): chrX:153,862,809, C>G on the plus strand (G>C on the coding strand, the complement: L1CAM is on the minus strand). VCF-style: chrX-153862809-C-G. GRCh37 (hg19) VCF-style: chrX-153128264-C-G.
Other names: c.3628G>C, p.Asp1210His (NM_000425.5); c.3601G>C, p.Asp1201His (NM_001143963.2); c.3616G>C, p.Asp1206His (NM_024003.3); short protein forms D1201H, D1206H, D1210H.
Identifiers: ClinVar variation 4536721 (VCV004536721.1).

ClinVar aggregate classification (germline): Uncertain significance (1 of 4 stars; one submission).

Submission:

Women's Health and Genetics/Laboratory Corporation of America, LabCorp
Classification: Uncertain significance. Last evaluated: 2025-11-13. Review status: criteria provided, single submitter. Criteria: LabCorp Variant Classification Summary - May 2015. Collection method: clinical testing. Allele origin: germline.
Comment: Variant summary: L1CAM c.3628G>C (p.Asp1210His) results in a non-conservative amino acid change in the encoded protein sequence. Algorithms developed to predict the effect of missense changes on protein structure and function all suggest that this variant is likely to be disruptive. The variant allele was found at a frequency of 5.5e-06 in 181603 control chromosomes. c.3628G>C has been observed as homozygous in an individual affected with L1 Syndrome (D'Amore_2018). These data indicate that the variant may be associated with disease. To our knowledge, no experimental evidence demonstrating an impact on protein function has been reported. The following publication have been ascertained in the context of this evaluation (PMID: 30564185). No submitters have cited clinical-significance assessments for this variant to ClinVar. Based on the evidence outlined above, the variant was classified as VUS-possibly pathogenic.

Literature cited by the submitters: PubMed 30564185.